The following is an entry in ClinVar:

ClinVar aggregate classification (germline): Benign/Likely benign. Review status: criteria provided, multiple submitters, no conflicts (2 of 4 stars). 4 submissions from 4 submitters: Benign (1); Likely benign (3). Last evaluated 2025-12-14.

Conditions:
Primary dilated cardiomyopathy (DCM). Also called: Dilated Cardiomyopathy. Identifiers: Orphanet 217604, MedGen C0007193, MeSH D002311, MONDO:0005021, HP:0001644. Inheritance: Various modes of inheritance.
Hypertrophic cardiomyopathy. Also called: HYPERTROPHIC MYOCARDIOPATHY. Identifiers: Orphanet 217569, MedGen C0007194, MeSH D002312, MONDO:0005045, HP:0001639.

Allele frequency attached by ClinVar (database versions not stated): gnomAD exomes 0.00001 and 0.00005; ExAC 0.00004; ESP Exome Variant Server 0.00008; gnomAD 0.00017 and 0.00019; TOPMed 0.00021.
gnomAD v4.1: 50 of 1,614,090 alleles (0.0031%); highest among the groups gnomAD compares: African/African-American, 0.055%; no homozygotes.

Submissions (4):

Labcorp Genetics (formerly Invitae), Labcorp
Classification: Likely benign for Hypertrophic cardiomyopathy; Primary dilated cardiomyopathy. Last evaluated: 2025-12-14. Review status: criteria provided, single submitter. Criteria: Invitae Variant Classification Sherloc (09022015). Collection method: clinical testing. Allele origin: germline.

Women's Health and Genetics/Laboratory Corporation of America, LabCorp
Classification: Benign. Last evaluated: 2025-02-10. Review status: criteria provided, single submitter. Criteria: LabCorp Variant Classification Summary - May 2015. Collection method: clinical testing. Allele origin: germline.

CeGaT Center for Human Genetics Tuebingen
Classification: Likely benign. Last evaluated: 2024-10-01. Review status: criteria provided, single submitter. Criteria: CeGaT Center For Human Genetics Tuebingen Variant Classification Criteria Version 2. Collection method: clinical testing. Allele origin: germline. Affected: yes. Observed: 1 variant allele.
Comment: PDLIM3: BP4, BP7

Ambry Genetics
Classification: Likely benign. Last evaluated: 2022-03-23. Review status: criteria provided, single submitter. Criteria: Ambry Variant Classification Scheme 2023. Collection method: clinical testing. Allele origin: germline.

NM_014476.6(PDLIM3):c.1053C>T (p.Pro351=)

Gene: PDLIM3 (PDZ and LIM domain 3; minus strand). Cytogenetic location: 4q35.1.
Variant type: single nucleotide variant.
Coding change: c.1053C>T on transcript NM_014476.6 (MANE Select); coding-DNA position 1053, C replaced by T.
Protein change: p.Pro351=; no amino-acid change (proline 351 retained).
Molecular consequence: synonymous variant. On other transcripts: non-coding transcript variant (1).
Genome position (GRCh38, 1-based): chr4:185,502,336, G>A on the plus strand (C>T on the coding strand, the complement: PDLIM3 is on the minus strand). VCF-style: chr4-185502336-G-A. GRCh37 (hg19) VCF-style: chr4-186423490-G-A.
Other names: c.909C>T, p.Pro303= (NM_001114107.5); c.789C>T, p.Pro263= (NM_001257962.2); c.552C>T, p.Pro184= (NM_001257963.2).
Identifiers: ClinVar variation 1111780 (VCV001111780.26), dbSNP rs369891118, ClinGen allele CA3159597.